The following is an entry in ClinVar:

NM_001267550.2(TTN):c.8286C>G (p.Tyr2762Ter)

Gene: TTN (titin; minus strand). Cytogenetic location: 2q31.2.
Variant type: single nucleotide variant.
Coding change: c.8286C>G on transcript NM_001267550.2 (MANE Select); coding-DNA position 8286, C replaced by G.
Protein change: p.Tyr2762Ter; replaces tyrosine 2762 with a stop codon.
Molecular consequence: nonsense.
Genome position (GRCh38, 1-based): chr2:178,770,506, G>C on the plus strand (C>G on the coding strand, the complement: TTN is on the minus strand). VCF-style: chr2-178770506-G-C. GRCh37 (hg19) VCF-style: chr2-179635233-G-C.
Other names: c.8286C>G, p.Tyr2762Ter (NM_001256850.1, NM_133378.4, NM_133379.5); c.8148C>G, p.Tyr2716Ter (NM_003319.4, NM_133432.3, NM_133437.4); short protein forms Y2716*, Y2762*.
Identifiers: ClinVar variation 816978 (VCV000816978.13), dbSNP rs1574570125, ClinGen allele CA349677728.

ClinVar aggregate classification (germline): Likely pathogenic. Review status: criteria provided, multiple submitters, no conflicts (2 of 4 stars). 2 submissions from 2 submitters: Likely pathogenic (2). Last evaluated 2024-11-04.

Conditions:
Autosomal recessive limb-girdle muscular dystrophy type 2J (LGMDR10). Also called: Limb-girdle muscular dystrophy, type 2J; MUSCULAR DYSTROPHY, LIMB-GIRDLE, AUTOSOMAL RECESSIVE 10. Identifiers: Orphanet 140922, MedGen C1837342, MONDO:0012127, OMIM 608807.
Dilated cardiomyopathy 1G (CMD1G). Identifiers: Orphanet 154, MedGen C1858763, MONDO:0011400, OMIM 604145.

Submissions (2):

Labcorp Genetics (formerly Invitae), Labcorp
Classification: Likely pathogenic for Dilated cardiomyopathy 1G; Autosomal recessive limb-girdle muscular dystrophy type 2J. Last evaluated: 2024-11-04. Review status: criteria provided, single submitter. Criteria: Invitae Variant Classification Sherloc (09022015). Collection method: clinical testing. Allele origin: germline.
Comment: This sequence change creates a premature translational stop signal (p.Tyr2762*) in the TTN gene. While this is not anticipated to result in nonsense mediated decay, it is expected to create a truncated TTN protein. This variant is not present in population databases (gnomAD no frequency). This variant has not been observed in the literature in individuals with autosomal recessive TTN-related conditions. This variant has been reported in individual(s) with dilated cardiomyopathy (internal data); however, the role of the variant in this condition is currently unclear. ClinVar contains an entry for this variant (Variation ID: 816978). This variant is located in the I band of TTN (PMID: 25589632). Truncating variants in this region have been reported in individuals affected with autosomal recessive centronuclear myopathy (PMID: 23975875, internal data). Truncating variants in this region have also been identified in individuals affected with autosomal dominant dilated cardiomyopathy and/or cardio-related conditions (PMID: 27869827, 32964742, internal data). In summary, the currently available evidence indicates that the variant is pathogenic, but additional data are needed to prove that conclusively. Therefore, this variant has been classified as Likely Pathogenic.

GeneDx
Classification: Likely pathogenic. Last evaluated: 2019-02-19. Review status: criteria provided, single submitter. Criteria: GeneDx Variant Classification (06012015). Collection method: clinical testing. Allele origin: germline. Affected: yes.
Comment: The Y2762X variant in the TTN gene has not been published as pathogenic or been reported as benign to our knowledge. This variant has not been observed in large population cohorts (Lek et al., 2016). Y2762X is predicted to cause loss of normal protein function either by protein truncation or nonsense-mediated mRNA decay. Truncating TTN variants have been reported in approximately 3% of control alleles, and the majority of truncating pathogenic variants associated with DCM have been reported in the A-band (Herman et al., 2012). However, the Y2762X variant is located in one of the constitutive exons in the I-band region, and recent studies suggest that truncating variants affecting constitutive exons throughout the TTN gene are also significantly associated with DCM (Deo, 2016; Schafer et al., 2017).

Literature cited by the submitters: PubMed 25589632 (cited by Labcorp Genetics (formerly Invitae), Labcorp); PubMed 23975875 (cited by Labcorp Genetics (formerly Invitae), Labcorp); PubMed 27869827 (cited by Labcorp Genetics (formerly Invitae), Labcorp); PubMed 32964742 (cited by Labcorp Genetics (formerly Invitae), Labcorp).